The following is an entry in ClinVar:

NM_001303052.2(MYT1L):c.1975C>T (p.Arg659Ter)

Gene: MYT1L (myelin transcription factor 1 like; minus strand). Cytogenetic location: 2p25.3.
Variant type: single nucleotide variant.
Coding change: c.1975C>T on transcript NM_001303052.2 (MANE Select); coding-DNA position 1975, C replaced by T.
Protein change: p.Arg659Ter; replaces arginine 659 with a stop codon.
Molecular consequence: nonsense.
Genome position (GRCh38, 1-based): chr2:1,903,137, G>A on the plus strand (C>T on the coding strand, the complement: MYT1L is on the minus strand). VCF-style: chr2-1903137-G-A. GRCh37 (hg19) VCF-style: chr2-1906909-G-A.
Other names: c.1969C>T (NM_015025.2); c.1975C>T, p.Arg659Ter (NM_001329844.2, NM_001329845.1, NM_001329851.3); c.1969C>T, p.Arg657Ter (NM_001329846.3, NM_001329847.2, NM_001329848.1 and 3 more transcripts); short protein forms R657*, R659*.
Identifiers: ClinVar variation 988393 (VCV000988393.25), dbSNP rs745333246, ClinGen allele CA345698516.

ClinVar aggregate classification (germline): Pathogenic/Likely pathogenic. Review status: criteria provided, multiple submitters, no conflicts (2 of 4 stars). 5 submissions from 5 submitters: Pathogenic (3); Likely pathogenic (2). Last evaluated 2024-06-12.

Conditions:
Neurodevelopmental disorder. Identifiers: MedGen C1535926, MeSH D065886, MONDO:0700092.
Intellectual developmental disorder, autosomal dominant 39. Also called: Intellectual disability, autosomal dominant 39; Mental retardation, autosomal dominant 39. Identifiers: MedGen C4225296, MONDO:0014678, OMIM 616521.

Submissions (5):

Institute of Medical Genetics and Applied Genomics, University Hospital Tübingen
Classification: Pathogenic for Intellectual developmental disorder, autosomal dominant 39. Last evaluated: 2024-06-12. Review status: criteria provided, single submitter. Criteria: ACMG Guidelines, 2015. Collection method: clinical testing. Allele origin: germline. Inheritance: Autosomal dominant inheritance. Affected: yes.

GeneDx
Classification: Pathogenic. Last evaluated: 2024-05-13. Review status: criteria provided, single submitter. Criteria: GeneDx Variant Classification Process June 2021. Collection method: clinical testing. Allele origin: germline. Affected: yes.
Comment: Reported in a large cohort of individuals with neurodevelopmental disorders; however, segregation and detailed clinical information were not provided (PMID: 33004838); Nonsense variant predicted to result in protein truncation or nonsense mediated decay in a gene for which loss of function is a known mechanism of disease; Not observed at significant frequency in large population cohorts (gnomAD); This variant is associated with the following publications: (PMID: 33004838)

CeGaT Center for Human Genetics Tuebingen
Classification: Pathogenic. Last evaluated: 2024-01-01. Review status: criteria provided, single submitter. Criteria: CeGaT Center For Human Genetics Tuebingen Variant Classification Criteria Version 2. Collection method: clinical testing. Allele origin: germline. Affected: yes. Observed: 1 variant allele.
Comment: MYT1L: PVS1, PM2, PS2:Moderate, PS4:Supporting

Laboratory of Molecular Genetics (Pr. Bezieau's lab), CHU de Nantes
Classification: Likely pathogenic for Neurodevelopmental disorder. Last evaluated: 2021-03-09. Review status: criteria provided, single submitter. Criteria: ACMG Guidelines, 2015. Collection method: clinical testing. Allele origin: germline. Affected: yes.

Clinical Genetics and Genomics, Karolinska University Hospital
Classification: Likely pathogenic. Last evaluated: 2018-07-25. Review status: criteria provided, single submitter. Criteria: ACMG Guidelines, 2015. Collection method: clinical testing. Allele origin: germline. Affected: yes. Observed: 2 variant alleles.